The following is an entry in ClinVar:

NM_000218.3(KCNQ1):c.794C>T (p.Thr265Ile)

Gene: KCNQ1 (potassium voltage-gated channel subfamily Q member 1; plus strand). Cytogenetic location: 11p15.5.
Variant type: single nucleotide variant.
Coding change: c.794C>T on transcript NM_000218.3 (MANE Select); coding-DNA position 794, C replaced by T.
Protein change: p.Thr265Ile; replaces threonine 265 with isoleucine.
Molecular consequence: missense variant.
Genome position (GRCh38, 1-based): chr11:2,572,859, C>T. VCF-style: chr11-2572859-C-T. GRCh37 (hg19) VCF-style: chr11-2594089-C-T.
Other names: p.T265I:ACC>ATC; c.794C>T (LRG_287t1); c.794C>T, p.Thr265Ile (NM_001406836.1); c.524C>T, p.Thr175Ile (NM_001406837.1); c.413C>T, p.Thr138Ile (NM_181798.2); short protein forms T265I, T138I, T175I.
Identifiers: ClinVar variation 53106 (VCV000053106.4), dbSNP rs199472724, ClinGen allele CA008246.
Genomic context (GRCh38, chr11:2,572,859, plus strand): 5'-CCAGCCTGCGGTTCCTGGAGCCCGACACTGTGTGTTTTCTGGCCTAGGAGCTGATAACCA[C>T]CCTGTACATCGGCTTCCTGGGCCTCATCTTCTCCTCGTACTTTGTGTACCTGGCTGAGAA-3'
Protein context (NP_000209.2, residues 255-275): VFIHRQELIT[Thr265Ile]LYIGFLGLIF

ClinVar aggregate classification (germline): Pathogenic. Review status: criteria provided, single submitter (1 of 4 stars). 2 submissions from 2 submitters: Pathogenic (1). 1 of the submissions does not count toward it. Last evaluated 2012-06-28.

Conditions:
Familial long QT syndrome (RWS). Also called: Congenital long QT syndrome; Romano-Ward syndrome; VENTRICULAR FIBRILLATION WITH PROLONGED QT INTERVAL. Identifiers: Orphanet 768, MedGen C1141890, MONDO:0019171.

Submissions (2):

GeneDx
Classification: Pathogenic. Last evaluated: 2012-06-28. Review status: criteria provided, single submitter. Criteria: GeneDx Variant Classification (06012015). Collection method: clinical testing. Allele origin: germline. Affected: yes.
Comment: p.Thr265Ile (ACC>ATC): c.794 C>T in exon 6 of the KCNQ1 gene (NM_000218.2). The Thr265Ile mutation in the KCNQ1 gene has been reported previously in association with LQTS, and this mutation was absent in 100 control alleles (Chung S et al., 2007; Yang T et al., 2009). The NHLBI ESP Exome Variant Server reports Thr265Ile was not observed in approximately 6,000 samples from individuals of European and African American backgrounds, indicating it is not a common benign variant in these populations. Thr265Ile results in a non-conservative amino acid substitution of a neutral, polar Threonine with a non-polar Isoleucine at a residue that is conserved across mammal species. In addition, mutations in nearby codons (Leu262Val, Leu266Pro) have also been reported in association with LQTS, supporting the functional importance of this region of the protein. In summary, Thr265Ile in the KCNQ1 gene is interpreted to be a disease-causing mutation. The variant is found in LQT panel(s).

Cardiovascular Biomedical Research Unit, Royal Brompton & Harefield NHS Foundation Trust
No classification provided. Condition: Familial long QT syndrome. Review status: no classification provided. Collection method: literature only. Allele origin: germline. Not counted in ClinVar's aggregate classification.
Comment: This variant has been reported as associated with Long QT syndrome in the following publications (PMID:17905336;PMID:19808498). This is a literature report, and does not necessarily reflect the clinical interpretation of the Imperial College / Royal Brompton Cardiovascular Genetics laboratory.

Literature cited by the submitters: PubMed 17905336 (cited by Cardiovascular Biomedical Research Unit, Royal Brompton & Harefield NHS Foundation Trust); PubMed 19808498 (cited by Cardiovascular Biomedical Research Unit, Royal Brompton & Harefield NHS Foundation Trust); PubMed 22581653 (cited by Cardiovascular Biomedical Research Unit, Royal Brompton & Harefield NHS Foundation Trust).